The following is an entry in ClinVar:

ClinVar aggregate classification (germline): Uncertain significance (1 of 4 stars; one submission).

Allele frequency attached by ClinVar (database versions not stated): gnomAD exomes below 0.00001.
gnomAD v4.1: 2 of 1,613,456 alleles (0.00012%); highest among the groups gnomAD compares: Non-Finnish European, 0.00017%; no homozygotes.

Submission:

Labcorp Genetics (formerly Invitae), Labcorp
Classification: Uncertain significance. Last evaluated: 2022-02-21. Review status: criteria provided, single submitter. Criteria: Invitae Variant Classification Sherloc (09022015). Collection method: clinical testing. Allele origin: germline.
Comment: This sequence change replaces alanine, which is neutral and non-polar, with valine, which is neutral and non-polar, at codon 349 of the ATAD1 protein (p.Ala349Val). This variant is present in population databases (no rsID available, gnomAD 0.0009%). This variant has not been reported in the literature in individuals affected with ATAD1-related conditions. Algorithms developed to predict the effect of missense changes on protein structure and function are either unavailable or do not agree on the potential impact of this missense change (SIFT: "Not Available"; PolyPhen-2: "Benign"; Align-GVGD: "Not Available"). In summary, the available evidence is currently insufficient to determine the role of this variant in disease. Therefore, it has been classified as a Variant of Uncertain Significance.

NM_001321967.2(ATAD1):c.1046C>T (p.Ala349Val)

Gene: ATAD1 (ATPase family AAA domain containing 1; minus strand). Cytogenetic location: 10q23.31.
Variant type: single nucleotide variant.
Coding change: c.1046C>T on transcript NM_001321967.2 (MANE Select); coding-DNA position 1046, C replaced by T.
Protein change: p.Ala349Val; replaces alanine 349 with valine.
Molecular consequence: missense variant. On other transcripts: non-coding transcript variant (1).
Genome position (GRCh38, 1-based): chr10:87,754,727, G>A on the plus strand (C>T on the coding strand, the complement: ATAD1 is on the minus strand). VCF-style: chr10-87754727-G-A. GRCh37 (hg19) VCF-style: chr10-89514484-G-A.
Other names: c.956C>T, p.Ala319Val (NM_001321968.2); c.689C>T, p.Ala230Val (NM_001321969.2); c.1046C>T, p.Ala349Val (NM_032810.4); short protein forms A319V, A230V, A349V.
Identifiers: ClinVar variation 1945805 (VCV001945805.5), dbSNP rs1191341979, ClinGen allele CA377485596.